The following is an entry in ClinVar:

NM_032447.5(FBN3):c.1591+5G>C

Gene: FBN3 (fibrillin 3; minus strand). Cytogenetic location: 19p13.2.
Variant type: single nucleotide variant.
Coding change: c.1591+5G>C on transcript NM_032447.5 (MANE Select); 5 bases into the intron after coding-DNA position 1591, G replaced by C.
Molecular consequence: intron variant.
Genome position (GRCh38, 1-based): chr19:8,135,956, C>G on the plus strand (G>C on the coding strand, the complement: FBN3 is on the minus strand). VCF-style: chr19-8135956-C-G. GRCh37 (hg19) VCF-style: chr19-8200840-C-G.
Other names: c.1591+5G>C (NM_001321431.2).
Identifiers: ClinVar variation 4711827 (VCV004711827.1).

ClinVar aggregate classification (germline): Uncertain significance (1 of 4 stars; one submission).

Submission:

Labcorp Genetics (formerly Invitae), Labcorp
Classification: Uncertain significance. Last evaluated: 2025-07-23. Review status: criteria provided, single submitter. Criteria: Invitae Variant Classification Sherloc (09022015). Collection method: clinical testing. Allele origin: germline.
Comment: This sequence change falls in intron 13 of the FBN3 gene. It does not directly change the encoded amino acid sequence of the FBN3 protein. It affects a nucleotide within the consensus splice site. This variant is not present in population databases (gnomAD no frequency). This variant has not been reported in the literature in individuals affected with FBN3-related conditions. Variants that disrupt the consensus splice site are a relatively common cause of aberrant splicing (PMID: 17576681, 9536098). Algorithms developed to predict the effect of sequence changes on RNA splicing suggest that this variant may disrupt the consensus splice site. In summary, the available evidence is currently insufficient to determine the role of this variant in disease. Therefore, it has been classified as a Variant of Uncertain Significance.

Literature cited by the submitters: PubMed 17576681; PubMed 9536098.